The following is an entry in ClinVar:

ClinVar aggregate classification (germline): Pathogenic (1 of 4 stars; one submission).

Conditions:
Autosomal recessive limb-girdle muscular dystrophy type 2A (LGMDR1). Also called: LEYDEN-MOEBIUS MUSCULAR DYSTROPHY; MUSCULAR DYSTROPHY, PELVOFEMORAL; Limb-girdle muscular dystrophy, type 2A; Calpainopathy; Muscular dystrophy, limb-girdle, type 2A, Amish. Identifiers: Orphanet 267, MedGen C1869123, MONDO:0009675, OMIM 253600. Disease mechanism: loss of function.

Submission:

Broad Center for Mendelian Genomics, Broad Institute of MIT and Harvard
Classification: Pathogenic for Autosomal recessive limb-girdle muscular dystrophy type 2A. Last evaluated: 2023-08-24. Review status: criteria provided, single submitter. Criteria: ACMG/ClinGen CNV Guidelines, 2019. Collection method: research. Allele origin: unknown. Inheritance: Autosomal dominant inheritance. Affected: yes.
Comment: A heterozygous deletion of exon 1 in CAPN3 (NM_000070.3) was identified by exome sequencing and confirmed by genome sequencing in one individual with limb-girdle muscular dystrophy in the compound heterozygous state, along with a variant of uncertain significance (VariationID: 282623)([GRCh 38] chr15:42349336_42378932x1)(PMID: 32528171). Inheritance information is unavailable. The patient phenotype is nonspecific, but is consistent with cases described in the literature and/or published databases with overlapping variants. This intragenic variant deletes the first coding exon and is predicted to cause loss of the methionine initiation codon. There is no in frame methionine in exon 2 or 3 that could reinitiate translation. This alteration is then predicted to lead to a truncated or absent protein. Loss of function of the CAPN3 gene is an established disease mechanism in autosomal recessive limb-girdle muscular dystrophy. In vitro functional studies provide some evidence that the exon 1 deletion variant may impact protein function (PMID: 31501033). However, these types of assays may not accurately represent biological function. In summary, this variant meets criteria to be classified as pathogenic for autosomal dominant limb-girdle muscular dystrophy. The ACMG/ClinGen evidence codes and points used in this curation are as follows: 1: 0 points, 2: 0.90 points, 3: 0 points, 4-5: 0.8 points; Function data: 0.15; Total: 1.13 points; Riggs 2020 (PMID: 31690835).

Literature cited by the submitters: PubMed 32528171; PubMed 31501033.

GRCh38/hg38 15q15.1(chr15:42349336-42378932)x1

Genes: CAPN3 (calpain 3; plus strand), GANC (glucosidase alpha, neutral C; plus strand). Cytogenetic location: 15q15.1.
Variant type: copy number loss.
Change: copy number 1 (one copy instead of two) of chr15:42,349,336-42,378,932 (29.6 kb, GRCh38 coordinates, 1-based), cytogenetic band 15q15.1.
Identifiers: ClinVar variation 2579221 (VCV002579221.1).